The following is an entry in ClinVar:

ClinVar aggregate classification (germline): Pathogenic (1 of 4 stars; one submission).

Conditions:
Hypokalemic periodic paralysis, type 1. Also called: HypoPP; Hypokalemic Periodic Paralysis Type 1 (AD). Identifiers: Orphanet 681, MedGen C3714580, MONDO:0042979, OMIM 170400.
Malignant hyperthermia, susceptibility to, 5 (MHS5). Also called: CACNA1S-Related Malignant Hyperthermia Susceptibility. Identifiers: Orphanet 423, MedGen C1866077, MONDO:0011163, OMIM 601887.

Submission:

Labcorp Genetics (formerly Invitae), Labcorp
Classification: Pathogenic for Hypokalemic periodic paralysis, type 1; Malignant hyperthermia, susceptibility to, 5. Last evaluated: 2018-04-08. Review status: criteria provided, single submitter. Criteria: Invitae Variant Classification Sherloc (09022015). Collection method: clinical testing. Allele origin: germline.
Comment: For these reasons, this variant has been classified as Pathogenic. Loss-of-function variants in CACNA1S are known to be pathogenic (PMID: 26247046, 28012042). This sequence change creates a premature translational stop signal (p.Asn599Thrfs*13) in the CACNA1S gene. It is expected to result in an absent or disrupted protein product. This variant is not present in population databases (ExAC no frequency). This variant has not been reported in the literature in individuals with CACNA1S-related disease.

Literature cited by the submitters: PubMed 26247046; PubMed 28012042.

NM_000069.3(CACNA1S):c.1796del (p.Asn599fs)

Gene: CACNA1S (calcium voltage-gated channel subunit alpha1 S; minus strand). Cytogenetic location: 1q32.1.
Variant type: Deletion.
Coding change: c.1796del on transcript NM_000069.3 (MANE Select); coding-DNA position 1796, one base deleted (A; older notation c.1796delA).
Protein change: p.Asn599fs; shifts the reading frame from asparagine 599.
Molecular consequence: frameshift variant.
Genome position (GRCh38, 1-based): chr1:201,076,951, T deleted on the plus strand (A on the coding strand, the reverse complement: CACNA1S is on the minus strand); the first of 2 consecutive T bases (chr1:201,076,951-201,076,952); deleting either gives the same sequence. VCF-style (leftmost placement, unchanged base first): chr1-201076950-GT-G. GRCh37 (hg19) VCF-style: chr1-201046078-GT-G.
Other names: short protein forms N599fs.
Identifiers: ClinVar variation 567517 (VCV000567517.7), dbSNP rs1558071742, ClinGen allele CA891842742.